The following is an entry in ClinVar:

ClinVar aggregate classification (germline): Uncertain significance (1 of 4 stars; one submission).

Submission:

GeneDx
Classification: Uncertain significance. Last evaluated: 2023-10-19. Review status: criteria provided, single submitter. Criteria: GeneDx Variant Classification Process June 2021. Collection method: clinical testing. Allele origin: germline. Affected: yes.
Comment: Has not been previously published as pathogenic or benign to our knowledge; Not observed at significant frequency in large population cohorts (gnomAD); In silico analysis supports that this missense variant has a deleterious effect on protein structure/function; Missense variants in this gene are a common cause of disease and they are underrepresented in the general population

NM_000533.5(PLP1):c.526A>G (p.Ile176Val)

Genes: PLP1 (proteolipid protein 1; plus strand), RAB9B (RAB9B, member RAS oncogene family; minus strand). Cytogenetic location: Xq22.2.
Variant type: single nucleotide variant.
Coding change: c.526A>G on transcript NM_000533.5 (MANE Select); coding-DNA position 526, A replaced by G.
Protein change: p.Ile176Val; replaces isoleucine 176 with valine.
Molecular consequence: missense variant.
Genome position (GRCh38, 1-based): chrX:103,787,870, A>G. VCF-style: chrX-103787870-A-G. GRCh37 (hg19) VCF-style: chrX-103042799-A-G.
Other names: c.526A>G, p.Ile176Val (NM_001128834.3); c.361A>G, p.Ile121Val (NM_001305004.1); c.421A>G, p.Ile141Val (NM_199478.3); short protein forms I121V, I141V, I176V.
Identifiers: ClinVar variation 3363331 (VCV003363331.1).